The following is an entry in ClinVar:

ClinVar aggregate classification (germline): Uncertain significance (1 of 4 stars; one submission).

Conditions:
Inborn genetic diseases. Identifiers: MedGen C0950123, MeSH D030342.

Submission:

Ambry Genetics
Classification: Uncertain significance for Inborn genetic diseases. Last evaluated: 2024-06-30. Review status: criteria provided, single submitter. Criteria: Ambry Variant Classification Scheme 2023. Collection method: clinical testing. Allele origin: germline.
Comment: The p.T422N variant (also known as c.1265C>A), located in coding exon 10 of the ACD gene, results from a C to A substitution at nucleotide position 1265. The threonine at codon 422 is replaced by asparagine, an amino acid with similar properties. This amino acid position is conserved. In addition, this alteration is predicted to be tolerated by in silico analysis. Based on the available evidence, the clinical significance of this variant remains unclear.

NM_001082486.2(ACD):c.1007C>A (p.Thr336Asn)

Gene: ACD (ACD shelterin complex subunit and telomerase recruitment factor; minus strand). Cytogenetic location: 16q22.1.
Variant type: single nucleotide variant.
Coding change: c.1007C>A on transcript NM_001082486.2 (MANE Select); coding-DNA position 1007, C replaced by A.
Protein change: p.Thr336Asn; replaces threonine 336 with asparagine.
Molecular consequence: missense variant.
Genome position (GRCh38, 1-based): chr16:67,658,185, G>T on the plus strand (C>A on the coding strand, the complement: ACD is on the minus strand). VCF-style: chr16-67658185-G-T. GRCh37 (hg19) VCF-style: chr16-67692088-G-T.
Other names: c.920C>A, p.Thr307Asn (NM_001410884.1); c.998C>A, p.Thr333Asn (NM_022914.3); short protein forms T336N, T307N, T333N.
Identifiers: ClinVar variation 3479998 (VCV003479998.1).